The following is an entry in ClinVar:

ClinVar aggregate classification (germline): Uncertain significance (1 of 4 stars; one submission).

Conditions:
Hereditary cancer-predisposing syndrome. Also called: Neoplastic Syndromes, Hereditary; Tumor predisposition; Hereditary Cancer Syndrome; Hereditary neoplastic syndrome. Identifiers: Orphanet 140162, MedGen C0027672, MeSH D009386, MONDO:0015356.

Submission:

Ambry Genetics
Classification: Uncertain significance for Hereditary cancer-predisposing syndrome. Last evaluated: 2020-03-05. Review status: criteria provided, single submitter. Criteria: Ambry Variant Classification Scheme 2023. Collection method: clinical testing. Allele origin: germline.
Comment: The p.R976G variant (also known as c.2926C>G), located in coding exon 4 of the MSH6 gene, results from a C to G substitution at nucleotide position 2926. The arginine at codon 976 is replaced by glycine, an amino acid with dissimilar properties. A similar alteration at the same amino acid (c.2927G>A, p.R976H) has been reported in patients diagnosed with colorectal cancers demonstrating isolated loss/reduced staining of MSH6 on immunohistochemistry (Plaschke J et al. Int. J. Cancer, 2002 Feb;97:643-8; Salvador MU et al. J Clin Oncol. 2019 Mar 10;37(8):647-657). Additionally, functional studies have shown mismtach repair activity for p.R976H to be less than 50% of wild type (Cyr JL et al. J. Biol. Chem., 2008 Nov;283:31641-8; Drost M et al. Hum. Mutat., 2012 Mar;33:488-94). This amino acid position is highly conserved in available vertebrate species. In addition, this alteration is predicted to be deleterious by in silico analysis. Since supporting evidence is limited at this time, the clinical significance of this alteration remains unclear

NM_000179.3(MSH6):c.2926C>G (p.Arg976Gly)

Gene: MSH6 (mutS homolog 6; plus strand). Cytogenetic location: 2p16.3.
Variant type: single nucleotide variant.
Coding change: c.2926C>G on transcript NM_000179.3 (MANE Select); coding-DNA position 2926, C replaced by G.
Protein change: p.Arg976Gly; replaces arginine 976 with glycine.
Molecular consequence: missense variant.
Genome position (GRCh38, 1-based): chr2:47,800,909, C>G. VCF-style: chr2-47800909-C-G. GRCh37 (hg19) VCF-style: chr2-48028048-C-G.
Other names: c.2536C>G, p.Arg846Gly (NM_001281492.2); c.2020C>G, p.Arg674Gly (NM_001281493.2, NM_001281494.2, NM_001406811.1 and 6 more transcripts); c.3022C>G, p.Arg1008Gly (NM_001406795.1, NM_001406802.1); c.2926C>G, p.Arg976Gly (NM_001406796.1, NM_001406798.1, NM_001406800.1 and 2 more transcripts); c.2629C>G, p.Arg877Gly (NM_001406797.1, NM_001406801.1, NM_001406805.1 and 10 more transcripts); c.2401C>G, p.Arg801Gly (NM_001406799.1, NM_001406806.1, NM_001406807.1); c.2848C>G, p.Arg950Gly (NM_001406804.1); c.2932C>G, p.Arg978Gly (NM_001406813.1); and 2 more; short protein forms R877G, R1008G, R801G, R846G, R978G, R976G, R291G, R674G.
Identifiers: ClinVar variation 1797748 (VCV001797748.2), dbSNP rs587782386, ClinGen allele CA346756193.
Genomic context (GRCh38, chr2:47,800,909, plus strand): 5'-GAGAAACAGCGCAACAGAATTGGCTGTAGGACCATAGTCTATTGGGGGATTGGTAGGAAC[C>G]GTTACCAGCTGGAAATTCCTGAGAATTTCACCACTCGCAATTTGCCAGAAGAATACGAGT-3'
Protein context (NP_000170.1, residues 966-986): TIVYWGIGRN[Arg976Gly]YQLEIPENFT